The following is an entry in ClinVar:

ClinVar aggregate classification (germline): Conflicting classifications of pathogenicity. Review status: criteria provided, conflicting classifications (1 of 4 stars). 2 submissions from 2 submitters: Uncertain significance (1); Likely benign (1). Last evaluated 2025-09-01.

Conditions:
Hereditary cancer-predisposing syndrome. Also called: Hereditary Cancer Syndrome; Tumor predisposition; Neoplastic Syndromes, Hereditary; Hereditary neoplastic syndrome. Identifiers: Orphanet 140162, MedGen C0027672, MeSH D009386, MONDO:0015356.
Von Hippel-Lindau syndrome (VHLS). Also called: VHL syndrome; Von Hippel-Lindau; von Hippel–Lindau syndrome. Identifiers: Orphanet 892, MedGen C0019562, MONDO:0008667, OMIM 193300. Disease mechanism: loss of function.

Submissions (2):

Color Diagnostics, LLC DBA Color Health
Classification: Uncertain significance for Von Hippel-Lindau syndrome. Last evaluated: 2025-09-01. Review status: criteria provided, single submitter. Criteria: ACMG Guidelines, 2015. Collection method: clinical testing. Allele origin: germline.
Comment: This missense variant replaces arginine with lysine at codon 4 of the VHL protein. Computational prediction suggests that this variant may not impact protein structure and function. To our knowledge, functional studies have not been reported for this variant. This variant has not been reported in individuals affected with VHL-related disorders in the literature. This variant has not been identified in the general population by the Genome Aggregation Database (gnomAD). The available evidence is insufficient to determine the role of this variant in disease conclusively. Therefore, this variant is classified as a Variant of Uncertain Significance.

Ambry Genetics
Classification: Likely benign for Hereditary cancer-predisposing syndrome. Last evaluated: 2023-09-22. Review status: criteria provided, single submitter. Criteria: Ambry Variant Classification Scheme 2023. Collection method: clinical testing. Allele origin: germline.

NM_000551.4(VHL):c.11G>A (p.Arg4Lys)

Gene: VHL (von Hippel-Lindau tumor suppressor; plus strand). Cytogenetic location: 3p25.3.
Variant type: single nucleotide variant.
Coding change: c.11G>A on transcript NM_000551.4 (MANE Select); coding-DNA position 11, G replaced by A.
Protein change: p.Arg4Lys; replaces arginine 4 with lysine.
Molecular consequence: missense variant. On other transcripts: non-coding transcript variant (1).
Genome position (GRCh38, 1-based): chr3:10,141,858, G>A. VCF-style: chr3-10141858-G-A. GRCh37 (hg19) VCF-style: chr3-10183542-G-A.
Other names: c.11G>A, p.Arg4Lys (NM_001354723.2, NM_198156.3); short protein forms R4K.
Identifiers: ClinVar variation 3232212 (VCV003232212.2), dbSNP rs886057703, ClinGen allele CA351747022.